The following is an entry in ClinVar:

ClinVar aggregate classification (germline): Benign (0 of 4 stars; one submission).

Conditions:
TRPM3-related disorder. Also called: TRPM3-related condition.

Submission:

PreventionGenetics, part of Exact Sciences
Classification: Benign for TRPM3-related condition. Last evaluated: 2019-02-20. Review status: no assertion criteria provided. Collection method: clinical testing. Allele origin: germline.
Comment: This variant is classified as benign based on ACMG/AMP sequence variant interpretation guidelines (Richards et al. 2015 PMID: 25741868, with internal and published modifications).

NM_001366145.2(TRPM3):c.677-4_677-3dup

Gene: TRPM3 (transient receptor potential cation channel subfamily M member 3; minus strand). Cytogenetic location: 9q21.12.
Variant type: Duplication.
Coding change: c.677-4_677-3dup on transcript NM_001366145.2 (MANE Select); 4 bases into the intron before coding-DNA position 677 through 3 bases into the intron before coding-DNA position 677, 2 bases duplicated (TT; older notation c.677-4_677-3dupTT).
Molecular consequence: intron variant.
Genome position (GRCh38, 1-based): chr9:70,843,130-70,843,131, AA duplicated on the plus strand (TT on the coding strand, the reverse complement: TRPM3 is on the minus strand); duplicating any 2 consecutive bases within chr9:70,843,130-70,843,139 gives the same sequence; the c. name uses the placement nearest the transcript's 3' end. VCF-style (leftmost placement, unchanged base first): chr9-70843129-T-TAA. GRCh37 (hg19) VCF-style: chr9-73458045-T-TAA.
Other names: c.683-4_683-3dup (NM_001366143.2, NM_001366141.2, NM_001366142.2 and 1 more transcripts); c.677-4_677-3dup (NM_001366150.2, NM_001366151.2, NM_001007471.4 and 6 more transcripts); c.218-4_218-3dup (NM_206944.5, NM_020952.6, NM_206945.5 and 6 more transcripts).
Identifiers: ClinVar variation 3058898 (VCV003058898.2), dbSNP rs3833697, ClinGen allele CA5078891.